The following is an entry in ClinVar:

NM_005188.4(CBL):c.2552C>T (p.Ala851Val)

Gene: CBL (Cbl proto-oncogene; plus strand). Cytogenetic location: 11q23.3.
Variant type: single nucleotide variant.
Coding change: c.2552C>T on transcript NM_005188.4 (MANE Select); coding-DNA position 2552, C replaced by T.
Protein change: p.Ala851Val; replaces alanine 851 with valine.
Molecular consequence: missense variant.
Genome position (GRCh38, 1-based): chr11:119,299,612, C>T. VCF-style: chr11-119299612-C-T. GRCh37 (hg19) VCF-style: chr11-119170322-C-T.
Other names: short protein forms A851V.
Identifiers: ClinVar variation 3827802 (VCV003827802.2).

ClinVar aggregate classification (germline): Uncertain significance. Review status: criteria provided, multiple submitters, no conflicts (2 of 4 stars). 2 submissions from 2 submitters: Uncertain significance (2). Last evaluated 2025-04-30.

Conditions:
Cardiovascular phenotype. Identifiers: MedGen CN230736.
RASopathy. Also called: Noonan spectrum disorder; rasopathies. Identifiers: Orphanet 536391, MedGen C5555857, MONDO:0021060.

Submissions (2):

Labcorp Genetics (formerly Invitae), Labcorp
Classification: Uncertain significance for RASopathy. Last evaluated: 2025-04-30. Review status: criteria provided, single submitter. Criteria: Invitae Variant Classification Sherloc (09022015). Collection method: clinical testing. Allele origin: germline.
Comment: This sequence change replaces alanine, which is neutral and non-polar, with valine, which is neutral and non-polar, at codon 851 of the CBL protein (p.Ala851Val). This variant is present in population databases (no rsID available, gnomAD 0.007%). This variant has not been reported in the literature in individuals affected with CBL-related conditions. Invitae Evidence Modeling of protein sequence and biophysical properties (such as structural, functional, and spatial information, amino acid conservation, physicochemical variation, residue mobility, and thermodynamic stability) indicates that this missense variant is not expected to disrupt CBL protein function with a negative predictive value of 95%. In summary, the available evidence is currently insufficient to determine the role of this variant in disease. Therefore, it has been classified as a Variant of Uncertain Significance.

Ambry Genetics
Classification: Uncertain significance for Cardiovascular phenotype. Last evaluated: 2025-01-05. Review status: criteria provided, single submitter. Criteria: Ambry Variant Classification Scheme 2023. Collection method: clinical testing. Allele origin: germline.
Comment: The p.A851V variant (also known as c.2552C>T), located in coding exon 16 of the CBL gene, results from a C to T substitution at nucleotide position 2552. The alanine at codon 851 is replaced by valine, an amino acid with similar properties. This amino acid position is conserved. In addition, this alteration is predicted to be tolerated by in silico analysis. Based on the available evidence, the clinical significance of this variant remains unclear.